The following is an entry in ClinVar:

NM_198859.4(PRICKLE2):c.374T>C (p.Met125Thr)

Gene: PRICKLE2 (prickle planar cell polarity protein 2; minus strand). Cytogenetic location: 3p14.1.
Variant type: single nucleotide variant.
Coding change: c.374T>C on transcript NM_198859.4 (MANE Select); coding-DNA position 374, T replaced by C.
Protein change: p.Met125Thr; replaces methionine 125 with threonine.
Molecular consequence: missense variant.
Genome position (GRCh38, 1-based): chr3:64,159,962, A>G on the plus strand (T>C on the coding strand, the complement: PRICKLE2 is on the minus strand). VCF-style: chr3-64159962-A-G. GRCh37 (hg19) VCF-style: chr3-64145638-A-G.
Other names: c.374T>C, p.Met125Thr (NM_001370528.1); short protein forms M125T.
Identifiers: ClinVar variation 3712140 (VCV003712140.2).

ClinVar aggregate classification (germline): Uncertain significance (1 of 4 stars; one submission).

Conditions:
Progressive myoclonic epilepsy type 5. Identifiers: Orphanet 402082, MedGen C5190799.

Submission:

Labcorp Genetics (formerly Invitae), Labcorp
Classification: Uncertain significance for Progressive myoclonic epilepsy type 5. Last evaluated: 2025-12-21. Review status: criteria provided, single submitter. Criteria: Invitae Variant Classification Sherloc (09022015). Collection method: clinical testing. Allele origin: germline.
Comment: This sequence change replaces methionine, which is neutral and non-polar, with threonine, which is neutral and polar, at codon 125 of the PRICKLE2 protein (p.Met125Thr). This variant is not present in population databases (gnomAD no frequency). This variant has not been reported in the literature in individuals affected with PRICKLE2-related conditions. ClinVar contains an entry for this variant (Variation ID: 3712140). Invitae Evidence Modeling of protein sequence and biophysical properties (such as structural, functional, and spatial information, amino acid conservation, physicochemical variation, residue mobility, and thermodynamic stability) indicates that this missense variant is not expected to disrupt PRICKLE2 protein function with a negative predictive value of 80%. In summary, the available evidence is currently insufficient to determine the role of this variant in disease. Therefore, it has been classified as a Variant of Uncertain Significance.